The following is an entry in ClinVar:

ClinVar aggregate classification (germline): Likely benign. Review status: criteria provided, single submitter (1 of 4 stars). 2 submissions from 2 submitters: Likely benign (1). 1 of the submissions does not count toward it. Last evaluated 2022-08-16.

Conditions:
TRAPPC12-related disorder. Also called: TRAPPC12-related condition.

Allele frequency attached by ClinVar (database versions not stated): gnomAD exomes 0.00001; ExAC 0.00002; gnomAD 0.00001.
gnomAD v4.1: 15 of 1,613,616 alleles (0.00093%); highest among the groups gnomAD compares: East Asian, 0.0022%; no homozygotes.

Submissions (2):

Labcorp Genetics (formerly Invitae), Labcorp
Classification: Likely benign. Last evaluated: 2022-08-16. Review status: criteria provided, single submitter. Criteria: Invitae Variant Classification Sherloc (09022015). Collection method: clinical testing. Allele origin: germline.

PreventionGenetics, part of Exact Sciences
Classification: Likely benign for TRAPPC12-related condition. Last evaluated: 2019-09-17. Review status: no assertion criteria provided. Collection method: clinical testing. Allele origin: germline. Not counted in ClinVar's aggregate classification.
Comment: This variant is classified as likely benign based on ACMG/AMP sequence variant interpretation guidelines (Richards et al. 2015 PMID: 25741868, with internal and published modifications).

NM_016030.6(TRAPPC12):c.1983C>T (p.Ala661=)

Genes: TRAPPC12 (trafficking protein particle complex subunit 12; plus strand), TRAPPC12-AS1 (TRAPPC12 antisense RNA 1; minus strand). Cytogenetic location: 2p25.3.
Variant type: single nucleotide variant.
Coding change: c.1983C>T on transcript NM_016030.6 (MANE Select); coding-DNA position 1983, C replaced by T.
Protein change: p.Ala661=; no amino-acid change (alanine 661 retained).
Molecular consequence: synonymous variant.
Genome position (GRCh38, 1-based): chr2:3,479,236, C>T. VCF-style: chr2-3479236-C-T. GRCh37 (hg19) VCF-style: chr2-3483007-C-T.
Other names: c.1983C>T (NM_016030.5); c.1983C>T, p.Ala661= (NM_001321102.2).
Identifiers: ClinVar variation 1639868 (VCV001639868.10), dbSNP rs771313731, ClinGen allele CA1515751.
Genomic context (GRCh38, chr2:3,479,236, plus strand): 5'-TCCTGGTTGTGTGGGCCAACCCTGGGCGTGTGCTCCTCCCTAGGCCAACAACAACGCTGC[C>T]GTGTGTCTGCTCTACCTGGGCAAGCTCAAGGACTCCCTGCGGCAGCTGGAGGCCATGGTC-3'
Protein context (NP_057114.5, residues 651-671): PRNAVANNNA[Ala661=]VCLLYLGKLK